The following is an entry in ClinVar:

NM_002381.5(MATN3):c.1324A>G (p.Thr442Ala)

Genes: MATN3 (matrilin 3; minus strand), WDR35-DT (WDR35 divergent transcript; plus strand). Cytogenetic location: 2p24.1.
Variant type: single nucleotide variant.
Coding change: c.1324A>G on transcript NM_002381.5 (MANE Select); coding-DNA position 1324, A replaced by G.
Protein change: p.Thr442Ala; replaces threonine 442 with alanine.
Molecular consequence: missense variant.
Genome position (GRCh38, 1-based): chr2:19,994,380, T>C on the plus strand (A>G on the coding strand, the complement: MATN3 is on the minus strand). VCF-style: chr2-19994380-T-C. GRCh37 (hg19) VCF-style: chr2-20194141-T-C.
Other names: c.1324A>G (NM_002381.4); short protein forms T442A.
Identifiers: ClinVar variation 2731695 (VCV002731695.5), dbSNP rs371946052, ClinGen allele CA1543734.
Genomic context (GRCh38, chr2:19,994,380, plus strand): 5'-GATACGAGCTGACCTTGTCCTGGAATGCCAGTGTAGCTTCACATCCACAAGCATCTTCAG[T>C]GGAAACAAGTCTTCGTGCTTCCTCAGTGGCTGAAGACAATGACAGTACACAAATATACTA-3'
Protein context (NP_002372.1, residues 432-452): ATEEARRLVS[Thr442Ala]EDACGCEATL

ClinVar aggregate classification (germline): Uncertain significance. Review status: criteria provided, multiple submitters, no conflicts (2 of 4 stars). 3 submissions from 3 submitters: Uncertain significance (3). Last evaluated 2025-12-14.

Conditions:
Spondyloepimetaphyseal dysplasia, matrilin-3 type (SEMDBCD). Also called: Spondyloepimetaphyseal dysplasia, MATN3-related; SEMD, MATN3-RELATED. Identifiers: Orphanet 156728, MedGen C1837481, MONDO:0012108, OMIM 608728.
Osteoarthritis susceptibility 2 (OS2). Identifiers: MedGen C3887526, MONDO:0007704, OMIM 140600.
Multiple epiphyseal dysplasia type 5 (EDM5). Also called: MATN3-Related Multiple Epiphyseal Dysplasia; Microepiphyseal dysplasia, bilateral hereditary. Identifiers: Orphanet 93311, MedGen C1846843, MONDO:0011765, OMIM 607078.
Inborn genetic diseases. Identifiers: MedGen C0950123, MeSH D030342.

Allele frequency attached by ClinVar (database versions not stated): ExAC 0.00006; ESP Exome Variant Server 0.00008; TOPMed 0.00017; 1000 Genomes Project 30x 0.00031; 1000 Genomes Project 0.00040.
gnomAD v4.1: 38 of 1,613,222 alleles (0.0024%); highest among the groups gnomAD compares: Admixed American, 0.025%; no homozygotes.

Submissions (3):

Labcorp Genetics (formerly Invitae), Labcorp
Classification: Uncertain significance. Last evaluated: 2025-12-14. Review status: criteria provided, single submitter. Criteria: Invitae Variant Classification Sherloc (09022015). Collection method: clinical testing. Allele origin: germline.
Comment: This sequence change replaces threonine, which is neutral and polar, with alanine, which is neutral and non-polar, at codon 442 of the MATN3 protein (p.Thr442Ala). This variant is present in population databases (rs371946052, gnomAD 0.01%). This variant has not been reported in the literature in individuals affected with MATN3-related conditions. ClinVar contains an entry for this variant (Variation ID: 2731695). An algorithm developed to predict the effect of missense changes on protein structure and function (PolyPhen-2) suggests that this variant is likely to be tolerated. In summary, the available evidence is currently insufficient to determine the role of this variant in disease. Therefore, it has been classified as a Variant of Uncertain Significance.

Ambry Genetics
Classification: Uncertain significance for Inborn genetic diseases. Last evaluated: 2025-08-09. Review status: criteria provided, single submitter. Criteria: Ambry Variant Classification Scheme 2023. Collection method: clinical testing. Allele origin: germline.

Department of Pathology and Laboratory Medicine, Sinai Health System
Classification: Uncertain significance for Osteoarthritis susceptibility 2; Multiple epiphyseal dysplasia type 5; Spondyloepimetaphyseal dysplasia, matrilin-3 type. Last evaluated: 2022-01-06. Review status: criteria provided, single submitter. Criteria: ACMG Guidelines, 2015. Collection method: research. Allele origin: germline.